The following is an entry in ClinVar:

ClinVar aggregate classification (germline): Uncertain significance. Review status: criteria provided, multiple submitters, no conflicts (2 of 4 stars). 2 submissions from 2 submitters: Uncertain significance (2). Last evaluated 2025-11-24.

Conditions:
Baller-Gerold syndrome (BGS). Also called: CRANIOSYNOSTOSIS WITH RADIAL DEFECTS. Identifiers: Orphanet 1225, MedGen C0265308, MONDO:0009039, OMIM 218600.
Inborn genetic diseases. Identifiers: MedGen C0950123, MeSH D030342.

Allele frequency attached by ClinVar (database versions not stated): TOPMed below 0.00001; gnomAD 0.00001.
gnomAD v4.1: 1 of 1,609,658 alleles (0.000062%); highest among the groups gnomAD compares: African/African-American, 0.0013%; no homozygotes.

Submissions (2):

Ambry Genetics
Classification: Uncertain significance for Inborn genetic diseases. Last evaluated: 2025-11-24. Review status: criteria provided, single submitter. Criteria: Ambry Variant Classification Scheme 2023. Collection method: clinical testing. Allele origin: germline.
Comment: The p.G586R variant (also known as c.1756G>A), located in coding exon 11 of the RECQL4 gene, results from a G to A substitution at nucleotide position 1756. The glycine at codon 586 is replaced by arginine, an amino acid with dissimilar properties. This amino acid position is conserved. In addition, this alteration is predicted to be tolerated by in silico analysis. Based on the available evidence, the clinical significance of this variant remains unclear.

Labcorp Genetics (formerly Invitae), Labcorp
Classification: Uncertain significance for Baller-Gerold syndrome. Last evaluated: 2022-05-27. Review status: criteria provided, single submitter. Criteria: Invitae Variant Classification Sherloc (09022015). Collection method: clinical testing. Allele origin: germline.
Comment: This variant is not present in population databases (gnomAD no frequency). In summary, the available evidence is currently insufficient to determine the role of this variant in disease. Therefore, it has been classified as a Variant of Uncertain Significance. Experimental studies and prediction algorithms are not available or were not evaluated, and the functional significance of this variant is currently unknown. ClinVar contains an entry for this variant (Variation ID: 1014321). This variant has not been reported in the literature in individuals affected with RECQL4-related conditions. This sequence change replaces glycine, which is neutral and non-polar, with arginine, which is basic and polar, at codon 586 of the RECQL4 protein (p.Gly586Arg).

NM_004260.4(RECQL4):c.1756G>A (p.Gly586Arg)

Gene: RECQL4 (RecQ like helicase 4; minus strand). Cytogenetic location: 8q24.3.
Variant type: single nucleotide variant.
Coding change: c.1756G>A on transcript NM_004260.4 (MANE Select); coding-DNA position 1756, G replaced by A.
Protein change: p.Gly586Arg; replaces glycine 586 with arginine.
Molecular consequence: missense variant.
Genome position (GRCh38, 1-based): chr8:144,514,311, C>T on the plus strand (G>A on the coding strand, the complement: RECQL4 is on the minus strand). VCF-style: chr8-144514311-C-T. GRCh37 (hg19) VCF-style: chr8-145739695-C-T.
Other names: c.1756G>A (NM_004260.3); short protein forms G586R.
Identifiers: ClinVar variation 1014321 (VCV001014321.6), dbSNP rs878854643, ClinGen allele CA372681060.
Genomic context (GRCh38, chr8:144,514,311, plus strand): 5'-CATCAATGCAGGCAAAAGCAACTGGAGGCAGCTGTGCGGCTGGAGGGAGGCCTCCCGCCC[C>T]CACCAGTGCCTCAGGTGTCAGCATCAGCACGTGTACCTGGGCTGCCCGAATCTGAAGGCA-3'
Protein context (NP_004251.4, residues 576-596): VLMLTPEALV[Gly586Arg]AGGLPPAAQL